The following is an entry in ClinVar:

ClinVar aggregate classification (germline): Uncertain significance. Review status: criteria provided, multiple submitters, no conflicts (2 of 4 stars). 2 submissions from 2 submitters: Uncertain significance (2). Last evaluated 2025-04-08.

Conditions:
Ehlers-Danlos syndrome, classic type, 1 (EDSCL1). Also called: EDS I; EHLERS-DANLOS SYNDROME, GRAVIS TYPE; EHLERS-DANLOS SYNDROME, SEVERE CLASSIC TYPE; Ehlers-Danlos syndrome, type 1; Ehlers-Danlos Syndrome, Classic Type, COL5A1-Related. Identifiers: MedGen C0268335, MONDO:0019567, OMIM 130000.

Allele frequency attached by ClinVar (database versions not stated): gnomAD exomes below 0.00001.
gnomAD v4.1: 5 of 1,613,350 alleles (0.00031%); highest among the groups gnomAD compares: African/African-American, 0.0027%; no homozygotes.

Submissions (2):

Labcorp Genetics (formerly Invitae), Labcorp
Classification: Uncertain significance for Ehlers-Danlos syndrome, classic type, 1. Last evaluated: 2025-04-08. Review status: criteria provided, single submitter. Criteria: Invitae Variant Classification Sherloc (09022015). Collection method: clinical testing. Allele origin: germline.
Comment: This sequence change replaces lysine, which is basic and polar, with glutamic acid, which is acidic and polar, at codon 807 of the COL5A1 protein (p.Lys807Glu). This variant is not present in population databases (gnomAD no frequency). This variant has not been reported in the literature in individuals affected with COL5A1-related conditions. ClinVar contains an entry for this variant (Variation ID: 2984919). Invitae Evidence Modeling of protein sequence and biophysical properties (such as structural, functional, and spatial information, amino acid conservation, physicochemical variation, residue mobility, and thermodynamic stability) indicates that this missense variant is expected to disrupt COL5A1 protein function with a positive predictive value of 95%. In summary, the available evidence is currently insufficient to determine the role of this variant in disease. Therefore, it has been classified as a Variant of Uncertain Significance.

GeneDx
Classification: Uncertain significance. Last evaluated: 2023-11-13. Review status: criteria provided, single submitter. Criteria: GeneDx Variant Classification Process June 2021. Collection method: clinical testing. Allele origin: germline. Affected: yes.
Comment: Identified in an individual with spontaneous coronary artery dissection; no additional clinical details were provided (PMID: 35234813); Not observed at significant frequency in large population cohorts (gnomAD); In silico analysis supports that this missense variant has a deleterious effect on protein structure/function; This variant is associated with the following publications: (PMID: 22696272, 35234813)

NM_000093.5(COL5A1):c.2419A>G (p.Lys807Glu)

Gene: COL5A1 (collagen type V alpha 1 chain; plus strand). Cytogenetic location: 9q34.3.
Variant type: single nucleotide variant.
Coding change: c.2419A>G on transcript NM_000093.5 (MANE Select); coding-DNA position 2419, A replaced by G.
Protein change: p.Lys807Glu; replaces lysine 807 with glutamic acid.
Molecular consequence: missense variant.
Genome position (GRCh38, 1-based): chr9:134,780,135, A>G. VCF-style: chr9-134780135-A-G. GRCh37 (hg19) VCF-style: chr9-137671981-A-G.
Other names: c.2419A>G, p.Lys807Glu (NM_001278074.1); c.2419A>G (NM_000093.3); short protein forms K807E.
Identifiers: ClinVar variation 2984919 (VCV002984919.4), dbSNP rs2490706048, ClinGen allele CA375453376.
Genomic context (GRCh38, chr9:134,780,135, plus strand): 5'-CTCCTTTTTCTTTTCCCACCCGCACAGGGGGCCGATGGCATCCGTGGTCTGAAGGGCACA[A>G]AGGGCGAGAAGGTAAGTCTCTCCTTGCAGCCACGGGGCCCCCTGCTTAGTCCGGAGCCGA-3'
Protein context (NP_000084.3, residues 797-817): ADGIRGLKGT[Lys807Glu]GEKGEDGFPG